The following is an entry in ClinVar:

ClinVar aggregate classification (germline): Conflicting classifications of pathogenicity. Review status: criteria provided, conflicting classifications (1 of 4 stars). 3 submissions from 3 submitters: Uncertain significance (2); Likely benign (1). Last evaluated 2025-11-03.

Conditions:
RP1-related disorder. Also called: RP1-related condition.

Allele frequency attached by ClinVar (database versions not stated): TOPMed 0.00006; gnomAD 0.00017; gnomAD exomes 0.00031; ExAC 0.00041.
gnomAD v4.1: 301 of 1,614,144 alleles (0.019%); highest among the groups gnomAD compares: Non-Finnish European, 0.017%; no homozygotes.

Submissions (3):

PreventionGenetics, part of Exact Sciences
Classification: Uncertain significance for RP1-related condition. Last evaluated: 2025-11-03. Review status: criteria provided, single submitter. Criteria: ACMG Guidelines, 2015. Collection method: clinical testing. Allele origin: germline.
Comment: The RP1 c.3838T>G variant is predicted to result in the amino acid substitution p.Phe1280Val. To our knowledge, this variant has not been reported in the literature. This variant is reported in 0.13% of alleles in individuals of European (Finnish) descent in gnomAD, which may be too frequent to be a primary cause of disease. Although we suspect that this variant may be benign, at this time, the clinical significance of this variant is uncertain due to the absence of conclusive functional and genetic evidence.

Labcorp Genetics (formerly Invitae), Labcorp
Classification: Uncertain significance. Last evaluated: 2025-01-06. Review status: criteria provided, single submitter. Criteria: Invitae Variant Classification Sherloc (09022015). Collection method: clinical testing. Allele origin: germline.
Comment: This sequence change replaces phenylalanine, which is neutral and non-polar, with valine, which is neutral and non-polar, at codon 1280 of the RP1 protein (p.Phe1280Val). This variant is present in population databases (rs200384647, gnomAD 0.1%). This variant has not been reported in the literature in individuals affected with RP1-related conditions. ClinVar contains an entry for this variant (Variation ID: 1036711). An algorithm developed to predict the effect of missense changes on protein structure and function outputs the following: PolyPhen-2: "Benign". The valine amino acid residue is found in multiple mammalian species, which suggests that this missense change does not adversely affect protein function. In summary, the available evidence is currently insufficient to determine the role of this variant in disease. Therefore, it has been classified as a Variant of Uncertain Significance.

Blueprint Genetics
Classification: Likely benign. Last evaluated: 2024-04-25. Review status: criteria provided, single submitter. Criteria: ACMG Guidelines, 2015. Collection method: clinical testing. Allele origin: germline.

NM_006269.2(RP1):c.3838T>G (p.Phe1280Val)

Gene: RP1 (RP1 axonemal microtubule associated; plus strand). Cytogenetic location: 8q12.1.
Variant type: single nucleotide variant.
Coding change: c.3838T>G on transcript NM_006269.2 (MANE Select); coding-DNA position 3838, T replaced by G.
Protein change: p.Phe1280Val; replaces phenylalanine 1280 with valine.
Molecular consequence: missense variant. On other transcripts: intron variant (1).
Genome position (GRCh38, 1-based): chr8:54,627,720, T>G. VCF-style: chr8-54627720-T-G. GRCh37 (hg19) VCF-style: chr8-55540280-T-G.
Other names: c.787+5432T>G (NM_001375654.1); c.3838T>G (NM_006269.1); short protein forms F1280V.
Identifiers: ClinVar variation 1036711 (VCV001036711.8), dbSNP rs200384647, ClinGen allele CA4751756.